The following is an entry in ClinVar:

NM_000384.3(APOB):c.4532C>G (p.Thr1511Ser)

Gene: APOB (apolipoprotein B; minus strand). Cytogenetic location: 2p24.1.
Variant type: single nucleotide variant.
Coding change: c.4532C>G on transcript NM_000384.3 (MANE Select); coding-DNA position 4532, C replaced by G.
Protein change: p.Thr1511Ser; replaces threonine 1511 with serine.
Molecular consequence: missense variant.
Genome position (GRCh38, 1-based): chr2:21,012,336, G>C on the plus strand (C>G on the coding strand, the complement: APOB is on the minus strand). VCF-style: chr2-21012336-G-C. GRCh37 (hg19) VCF-style: chr2-21235208-G-C.
Other names: short protein forms T1511S.
Identifiers: ClinVar variation 4124965 (VCV004124965.2), dbSNP rs146247063.
Genomic context (GRCh38, chr2:21,012,336, plus strand): 5'-TTGGTGCCTTGGAGGTAGGAGGAGTTAAACCTCAGGTTGGACTCTCCATTGAGCCGGCCA[G>C]TGTTAGGATCCCTCTGACAAGACAGGCCATATGTGCCTTTAGCATAGAACGAAGAGACTC-3'
Protein context (NP_000375.3, residues 1501-1521): YGLSCQRDPN[Thr1511Ser]GRLNGESNLR

ClinVar aggregate classification (germline): Conflicting classifications of pathogenicity. Review status: criteria provided, conflicting classifications (1 of 4 stars). 2 submissions from 2 submitters: Uncertain significance (1); Likely benign (1). Last evaluated 2025-09-08.

Conditions:
Familial hypobetalipoproteinemia 1. Also called: APOB-Related Familial Hypobetalipoproteinemia; Hypobetalipoproteinemia, normotriglyceridemic; Acanthocytosis with hypobetalipoproteinemia. Identifiers: MedGen C4551990, MONDO:0014252, OMIM 615558.
Hypercholesterolemia, autosomal dominant, type B (FHCL2). Also called: Familial Hypercholesterolemia Type B; APOLIPOPROTEIN B-100, FAMILIAL DEFECTIVE; APOLIPOPROTEIN B-100, FAMILIAL LIGAND-DEFECTIVE; HYPERCHOLESTEROLEMIA, FAMILIAL, DUE TO LIGAND-DEFECTIVE APOLIPOPROTEIN B; APOB-Related Familial Hypercholesterolemia, Autosomal Dominant; Hyperlipoproteinemia Type IIb. Identifiers: MedGen C1704417, MONDO:0007751, OMIM 144010.
Cardiovascular phenotype. Identifiers: MedGen CN230736.

Submissions (2):

Labcorp Genetics (formerly Invitae), Labcorp
Classification: Uncertain significance for Familial hypobetalipoproteinemia 1; Hypercholesterolemia, autosomal dominant, type B. Last evaluated: 2025-09-08. Review status: criteria provided, single submitter. Criteria: Invitae Variant Classification Sherloc (09022015). Collection method: clinical testing. Allele origin: germline.
Comment: This sequence change replaces threonine, which is neutral and polar, with serine, which is neutral and polar, at codon 1511 of the APOB protein (p.Thr1511Ser). This variant is not present in population databases (gnomAD no frequency). This variant has not been reported in the literature in individuals affected with APOB-related conditions. Invitae Evidence Modeling of protein sequence and biophysical properties (such as structural, functional, and spatial information, amino acid conservation, physicochemical variation, residue mobility, and thermodynamic stability) indicates that this missense variant is not expected to disrupt APOB protein function with a negative predictive value of 95%. In summary, the available evidence is currently insufficient to determine the role of this variant in disease. Therefore, it has been classified as a Variant of Uncertain Significance.

Ambry Genetics
Classification: Likely benign for Cardiovascular phenotype. Last evaluated: 2025-07-03. Review status: criteria provided, single submitter. Criteria: Ambry Variant Classification Scheme 2023. Collection method: clinical testing. Allele origin: germline.